The following is an entry in ClinVar:

ClinVar aggregate classification (germline): Uncertain significance (1 of 4 stars; one submission).

Allele frequency attached by ClinVar (database versions not stated): gnomAD 0.00001; gnomAD exomes 0.00002; TOPMed 0.00002; ESP Exome Variant Server 0.00008.
gnomAD v4.1: 26 of 1,612,082 alleles (0.0016%); highest among the groups gnomAD compares: Non-Finnish European, 0.0022%; no homozygotes.

Submission:

Labcorp Genetics (formerly Invitae), Labcorp
Classification: Uncertain significance. Last evaluated: 2022-06-26. Review status: criteria provided, single submitter. Criteria: Invitae Variant Classification Sherloc (09022015). Collection method: clinical testing. Allele origin: germline.
Comment: This sequence change replaces arginine, which is basic and polar, with glutamine, which is neutral and polar, at codon 340 of the NCKAP1L protein (p.Arg340Gln). This variant is present in population databases (rs375104374, gnomAD 0.0009%). This variant has not been reported in the literature in individuals affected with NCKAP1L-related conditions. Algorithms developed to predict the effect of missense changes on protein structure and function (SIFT, PolyPhen-2, Align-GVGD) all suggest that this variant is likely to be disruptive. In summary, the available evidence is currently insufficient to determine the role of this variant in disease. Therefore, it has been classified as a Variant of Uncertain Significance.

NM_005337.5(NCKAP1L):c.1019G>A (p.Arg340Gln)

Gene: NCKAP1L (NCK associated protein 1 like; plus strand). Cytogenetic location: 12q13.2.
Variant type: single nucleotide variant.
Coding change: c.1019G>A on transcript NM_005337.5 (MANE Select); coding-DNA position 1019, G replaced by A.
Protein change: p.Arg340Gln; replaces arginine 340 with glutamine.
Molecular consequence: missense variant.
Genome position (GRCh38, 1-based): chr12:54,516,916, G>A. VCF-style: chr12-54516916-G-A. GRCh37 (hg19) VCF-style: chr12-54910700-G-A.
Other names: c.869G>A, p.Arg290Gln (NM_001184976.2); short protein forms R290Q, R340Q.
Identifiers: ClinVar variation 1912951 (VCV001912951.2), dbSNP rs375104374, ClinGen allele CA237459302.